The following is an entry in ClinVar:

NM_001042492.3(NF1):c.3538A>G (p.Met1180Val)

Gene: NF1 (neurofibromin 1; plus strand). Cytogenetic location: 17q11.2.
Variant type: single nucleotide variant.
Coding change: c.3538A>G on transcript NM_001042492.3 (MANE Select); coding-DNA position 3538, A replaced by G.
Protein change: p.Met1180Val; replaces methionine 1180 with valine.
Molecular consequence: missense variant.
Genome position (GRCh38, 1-based): chr17:31,233,043, A>G. VCF-style: chr17-31233043-A-G. GRCh37 (hg19) VCF-style: chr17-29560061-A-G.
Other names: c.3538A>G, p.Met1180Val (NM_000267.4); short protein forms M1180V.
Identifiers: ClinVar variation 187343 (VCV000187343.14), dbSNP rs786203658, ClinGen allele CA197403.

ClinVar aggregate classification (germline): Uncertain significance. Review status: criteria provided, multiple submitters, no conflicts (2 of 4 stars). 6 submissions from 5 submitters: Uncertain significance (6). Last evaluated 2025-02-25.

Conditions:
Hereditary cancer-predisposing syndrome. Also called: Tumor predisposition; Neoplastic Syndromes, Hereditary; Hereditary neoplastic syndrome; Hereditary Cancer Syndrome. Identifiers: Orphanet 140162, MedGen C0027672, MeSH D009386, MONDO:0015356.
Cardiovascular phenotype. Identifiers: MedGen CN230736.
Neurofibromatosis, type 1 (NF1). Also called: NEUROFIBROMATOSIS, TYPE I, SOMATIC; Peripheral type neurofibromatosis; VON RECKLINGHAUSEN DISEASE; Neurofibromatosis, type I. Identifiers: Orphanet 636, MedGen C0027831, MONDO:0018975, OMIM 162200. Disease mechanism: loss of function.

Submissions (6):

Labcorp Genetics (formerly Invitae), Labcorp
Classification: Uncertain significance for Neurofibromatosis, type 1. Last evaluated: 2025-02-25. Review status: criteria provided, single submitter. Criteria: Invitae Variant Classification Sherloc (09022015). Collection method: clinical testing. Allele origin: germline.
Comment: This sequence change replaces methionine, which is neutral and non-polar, with valine, which is neutral and non-polar, at codon 1180 of the NF1 protein (p.Met1180Val). This variant is not present in population databases (gnomAD no frequency). This missense change has been observed in individual(s) with breast cancer (PMID: 36672847). ClinVar contains an entry for this variant (Variation ID: 187343). Invitae Evidence Modeling of protein sequence and biophysical properties (such as structural, functional, and spatial information, amino acid conservation, physicochemical variation, residue mobility, and thermodynamic stability) has been performed for this missense variant. However, the output from this modeling did not meet the statistical confidence thresholds required to predict the impact of this variant on NF1 protein function. In summary, the available evidence is currently insufficient to determine the role of this variant in disease. Therefore, it has been classified as a Variant of Uncertain Significance.

Blueprint Genetics
Classification: Uncertain significance. Last evaluated: 2023-03-30. Review status: criteria provided, single submitter. Criteria: ACMG Guidelines, 2015. Collection method: clinical testing. Allele origin: germline.

Ambry Genetics
Classification: Uncertain significance for Cardiovascular phenotype; Hereditary cancer-predisposing syndrome. Last evaluated: 2022-11-21. Review status: criteria provided, single submitter. Criteria: Ambry Variant Classification Scheme 2023. Collection method: clinical testing. Allele origin: germline.

GeneDx
Classification: Uncertain significance. Last evaluated: 2022-07-21. Review status: criteria provided, single submitter. Criteria: GeneDx Variant Classification Process June 2021. Collection method: clinical testing. Allele origin: germline. Affected: yes.
Comment: Not observed at significant frequency in large population cohorts (gnomAD); In silico analysis supports that this missense variant does not alter protein structure/function; Has not been previously published as pathogenic or benign to our knowledge; This variant is associated with the following publications: (PMID: 25486365, 2121369, 22807134)

Genome-Nilou Lab
Classification: Uncertain significance for Neurofibromatosis, type 1. Last evaluated: 2022-03-15. Review status: criteria provided, single submitter. Criteria: ACMG Guidelines, 2015. Collection method: clinical testing. Allele origin: germline. Affected: no.

Ambry Genetics
Classification: Uncertain significance for Hereditary cancer-predisposing syndrome. Last evaluated: 2015-09-24. Review status: criteria provided, single submitter. Criteria: Ambry Autosomal Dominant and X-Linked criteria (10/2015). Collection method: clinical testing. Allele origin: germline. Observed: 1 variant allele.
Comment: Thep.M1180Vvariant (also known as c.3538A>G), located in coding exon 27 of theNF1gene, results from an A to G substitution at nucleotide position 3538. The methionine at codon 1180 is replaced by valine, an amino acid with highly similar properties. This variant was not reported in population based cohorts in the following databases: Database of Single Nucleotide Polymorphisms (dbSNP), NHLBI Exome Sequencing Project (ESP), and 1000 Genomes Project. In the ESP, this variant was not observed in 6503 samples (13006 alleles) with coverage at this position. To date, this alteration has been detected with an allele frequency of approximately 0.004% (greater than 55000 alleles tested) in our clinical cohort. This amino acid position is highly conserved in available vertebrate species. In addition, this alteration is predicted to be deleterious by in silico analysis. Since supporting evidence is limited at this time, the clinical significance of p.M1180V remains unclear.

Literature cited by the submitters: PubMed 36672847 (cited by Labcorp Genetics (formerly Invitae), Labcorp).